The following is an entry in ClinVar:

NM_001375524.1(TRRAP):c.11278G>A (p.Gly3760Ser)

Gene: TRRAP (transformation/transcription domain associated protein; plus strand). Cytogenetic location: 7q22.1.
Variant type: single nucleotide variant.
Coding change: c.11278G>A on transcript NM_001375524.1 (MANE Select); coding-DNA position 11278, G replaced by A.
Protein change: p.Gly3760Ser; replaces glycine 3760 with serine.
Molecular consequence: missense variant.
Genome position (GRCh38, 1-based): chr7:99,011,476, G>A. VCF-style: chr7-99011476-G-A. GRCh37 (hg19) VCF-style: chr7-98609099-G-A.
Other names: c.11236G>A, p.Gly3746Ser (NM_001244580.2); c.11149G>A, p.Gly3717Ser (NM_003496.4); short protein forms G3717S, G3746S, G3760S.
Identifiers: ClinVar variation 2697546 (VCV002697546.3), dbSNP rs1182428614, ClinGen allele CA368343545.

ClinVar aggregate classification (germline): Uncertain significance (1 of 4 stars; one submission).

Allele frequency attached by ClinVar (database versions not stated): gnomAD 0.00001; gnomAD exomes 0.00001; TOPMed 0.00001.
gnomAD v4.1: 16 of 1,614,128 alleles (0.00099%); highest among the groups gnomAD compares: East Asian, 0.0022%; no homozygotes.

Submission:

Labcorp Genetics (formerly Invitae), Labcorp
Classification: Uncertain significance. Last evaluated: 2023-03-14. Review status: criteria provided, single submitter. Criteria: Invitae Variant Classification Sherloc (09022015). Collection method: clinical testing. Allele origin: germline.
Comment: Advanced modeling of protein sequence and biophysical properties (such as structural, functional, and spatial information, amino acid conservation, physicochemical variation, residue mobility, and thermodynamic stability) performed at Invitae indicates that this missense variant is expected to disrupt TRRAP protein function. In summary, the available evidence is currently insufficient to determine the role of this variant in disease. Therefore, it has been classified as a Variant of Uncertain Significance. This variant has not been reported in the literature in individuals affected with TRRAP-related conditions. This variant is present in population databases (no rsID available, gnomAD 0.003%). This sequence change replaces glycine, which is neutral and non-polar, with serine, which is neutral and polar, at codon 3717 of the TRRAP protein (p.Gly3717Ser).